The following is an entry in ClinVar:

ClinVar aggregate classification (germline): Uncertain significance. Review status: criteria provided, multiple submitters, no conflicts (2 of 4 stars). 2 submissions from 2 submitters: Uncertain significance (2). Last evaluated 2023-02-28.

Allele frequency attached by ClinVar (database versions not stated): gnomAD 0.00001; TOPMed 0.00001; ExAC 0.00004.
gnomAD v4.1: 15 of 1,608,980 alleles (0.00093%); highest among the groups gnomAD compares: East Asian, 0.033%; no homozygotes.

Submissions (2):

Ambry Genetics
Classification: Uncertain significance. Last evaluated: 2023-02-28. Review status: criteria provided, single submitter. Criteria: Ambry Variant Classification Scheme 2023. Collection method: clinical testing. Allele origin: germline.

Labcorp Genetics (formerly Invitae), Labcorp
Classification: Uncertain significance. Last evaluated: 2022-10-19. Review status: criteria provided, single submitter. Criteria: Invitae Variant Classification Sherloc (09022015). Collection method: clinical testing. Allele origin: germline.
Comment: This variant is present in population databases (rs781349707, gnomAD 0.06%). This sequence change replaces proline, which is neutral and non-polar, with serine, which is neutral and polar, at codon 790 of the IL12RB2 protein (p.Pro790Ser). This variant has not been reported in the literature in individuals affected with IL12RB2-related conditions. Algorithms developed to predict the effect of missense changes on protein structure and function output the following: SIFT: "Tolerated"; PolyPhen-2: "Benign"; Align-GVGD: "Class C0". The serine amino acid residue is found in multiple mammalian species, which suggests that this missense change does not adversely affect protein function. In summary, the available evidence is currently insufficient to determine the role of this variant in disease. Therefore, it has been classified as a Variant of Uncertain Significance.

NM_001374259.2(IL12RB2):c.2368C>T (p.Pro790Ser)

Gene: IL12RB2 (interleukin 12 receptor subunit beta 2; plus strand). Cytogenetic location: 1p31.3.
Variant type: single nucleotide variant.
Coding change: c.2368C>T on transcript NM_001374259.2 (MANE Select); coding-DNA position 2368, C replaced by T.
Protein change: p.Pro790Ser; replaces proline 790 with serine.
Molecular consequence: missense variant. On other transcripts: 3 prime UTR variant (3), non-coding transcript variant (2).
Genome position (GRCh38, 1-based): chr1:67,395,868, C>T. VCF-style: chr1-67395868-C-T. GRCh37 (hg19) VCF-style: chr1-67861551-C-T.
Other names: c.*288C>T (NM_001258214.1, NM_001319233.1); c.2110C>T, p.Pro704Ser (NM_001258215.1); c.*269C>T (NM_001258216.1); c.2368C>T, p.Pro790Ser (NM_001559.3); c.2368C>T (NM_001559.2); short protein forms P790S, P704S.
Identifiers: ClinVar variation 1959594 (VCV001959594.7), dbSNP rs781349707, ClinGen allele CA900720.
Genomic context (GRCh38, chr1:67,395,868, plus strand): 5'-CTGGAGAGCAGGGGCTCCGACCCAAAGCCCGAAAACCCAGCCTGTCCCTGGACGGTGCTC[C>T]CAGCAGGTGACCTTCCCACCCATGATGGCTACTTACCCTCCAACATAGATGACCTCCCCT-3'
Protein context (NP_001361188.1, residues 780-800): ENPACPWTVL[Pro790Ser]AGDLPTHDGY